The following is an entry in ClinVar:

NM_006059.4(LAMC3):c.325G>C (p.Ala109Pro)

Gene: LAMC3 (laminin subunit gamma 3; plus strand). Cytogenetic location: 9q34.12.
Variant type: single nucleotide variant.
Coding change: c.325G>C on transcript NM_006059.4 (MANE Select); coding-DNA position 325, G replaced by C.
Protein change: p.Ala109Pro; replaces alanine 109 with proline.
Molecular consequence: missense variant.
Genome position (GRCh38, 1-based): chr9:131,009,539, G>C. VCF-style: chr9-131009539-G-C. GRCh37 (hg19) VCF-style: chr9-133884926-G-C.
Other names: c.325G>C (NM_006059.3); short protein forms A109P.
Identifiers: ClinVar variation 1408839 (VCV001408839.6), dbSNP rs770949410, ClinGen allele CA5286651.

ClinVar aggregate classification (germline): Uncertain significance. Review status: criteria provided, multiple submitters, no conflicts (2 of 4 stars). 2 submissions from 2 submitters: Uncertain significance (2). Last evaluated 2024-12-03.

Conditions:
Inborn genetic diseases. Identifiers: MedGen C0950123, MeSH D030342.

Allele frequency attached by ClinVar (database versions not stated): gnomAD 0.00005 and 0.00007; TOPMed 0.00006; gnomAD exomes 0.00008 and 0.00020.
gnomAD v4.1: 283 of 1,565,276 alleles (0.018%); highest among the groups gnomAD compares: Non-Finnish European, 0.024%; no homozygotes.

Submissions (2):

Ambry Genetics
Classification: Uncertain significance for Inborn genetic diseases. Last evaluated: 2024-12-03. Review status: criteria provided, single submitter. Criteria: Ambry Variant Classification Scheme 2023. Collection method: clinical testing. Allele origin: germline.

Labcorp Genetics (formerly Invitae), Labcorp
Classification: Uncertain significance. Last evaluated: 2022-10-13. Review status: criteria provided, single submitter. Criteria: Invitae Variant Classification Sherloc (09022015). Collection method: clinical testing. Allele origin: germline.
Comment: This sequence change replaces alanine, which is neutral and non-polar, with proline, which is neutral and non-polar, at codon 109 of the LAMC3 protein (p.Ala109Pro). This variant is present in population databases (rs770949410, gnomAD 0.01%). This variant has not been reported in the literature in individuals affected with LAMC3-related conditions. ClinVar contains an entry for this variant (Variation ID: 1408839). Algorithms developed to predict the effect of missense changes on protein structure and function are either unavailable or do not agree on the potential impact of this missense change (SIFT: "Tolerated"; PolyPhen-2: "Probably Damaging"; Align-GVGD: "Class C0"). In summary, the available evidence is currently insufficient to determine the role of this variant in disease. Therefore, it has been classified as a Variant of Uncertain Significance.